The following is an entry in ClinVar:

NM_001039469.3(MARK2):c.988+1G>A

Gene: MARK2 (microtubule affinity regulating kinase 2; plus strand). Cytogenetic location: 11q13.1.
Variant type: single nucleotide variant.
Coding change: c.988+1G>A on transcript NM_001039469.3 (MANE Select); the canonical splice donor site of the intron after coding-DNA position 988, G replaced by A.
Molecular consequence: splice donor variant.
Genome position (GRCh38, 1-based): chr11:63,900,880, G>A. VCF-style: chr11-63900880-G-A. GRCh37 (hg19) VCF-style: chr11-63668352-G-A.
Other names: c.988+1G>A (NM_001163296.2, NM_004954.5, NM_001163297.2); c.889+1G>A (NM_017490.4).
Identifiers: ClinVar variation 5023897 (VCV005023897.1).

ClinVar aggregate classification (germline): Likely pathogenic (1 of 4 stars; one submission).

Submission:

Ambry Genetics
Classification: Likely pathogenic. Last evaluated: 2026-07-17. Review status: criteria provided, single submitter. Criteria: Ambry Variant Classification Scheme 2023. Collection method: clinical testing. Allele origin: germline.
Comment: The c.988+1G>A intronic variant consists of a G to A substitution one nucleotide(s) after exon 10 (coding exon 10) of the MARK2 gene. Variants that disrupt the canonical splice site are expected to cause aberrant splicing, resulting in an abnormal protein or a transcript that is subject to nonsense-mediated mRNA decay. This variant was not reported in population-based cohorts in the Genome Aggregation Database (gnomAD). In silico splice site analysis predicts that this alteration will weaken the native splice donor site. Based on the available evidence, this alteration is classified as likely pathogenic.